The following is an entry in ClinVar:

ClinVar aggregate classification (germline): Uncertain significance (1 of 4 stars; one submission).

Conditions:
Malignant hyperthermia, susceptibility to, 5 (MHS5). Also called: CACNA1S-Related Malignant Hyperthermia Susceptibility. Identifiers: Orphanet 423, MedGen C1866077, MONDO:0011163, OMIM 601887.

Submission:

Color Diagnostics, LLC DBA Color Health
Classification: Uncertain significance for Malignant hyperthermia, susceptibility to, 5. Last evaluated: 2025-05-29. Review status: criteria provided, single submitter. Criteria: ACMG Guidelines, 2015. Collection method: clinical testing. Allele origin: germline.
Comment: This variant causes a G to A nucleotide substitution at the +5 position of intron 19 of the CACNA1S gene. To our knowledge, functional studies have not been reported for this variant. This variant has not been reported in individuals affected with CACNA1S-related disorders in the literature. This variant has not been identified in the general population by the Genome Aggregation Database (gnomAD). The available evidence is insufficient to determine the role of this variant in disease conclusively. Therefore, this variant is classified as a Variant of Uncertain Significance.

NM_000069.3(CACNA1S):c.2550+5G>A

Gene: CACNA1S (calcium voltage-gated channel subunit alpha1 S; minus strand). Cytogenetic location: 1q32.1.
Variant type: single nucleotide variant.
Coding change: c.2550+5G>A on transcript NM_000069.3 (MANE Select); 5 bases into the intron after coding-DNA position 2550, G replaced by A.
Molecular consequence: intron variant.
Genome position (GRCh38, 1-based): chr1:201,069,132, C>T on the plus strand (G>A on the coding strand, the complement: CACNA1S is on the minus strand). VCF-style: chr1-201069132-C-T. GRCh37 (hg19) VCF-style: chr1-201038260-C-T.
Identifiers: ClinVar variation 4758726 (VCV004758726.1).
Genomic context (GRCh38, chr1:201,069,132, plus strand): 5'-GTGTGTAAACTGGAGCCACATCAGGGAAACTCCCTCCCCAGGGCTGCCCCACAGCCTTCA[C>T]TCACCTTGAGGACAATCTCCACAGTGAAGACAGAGGTGAACCCGATGTCAAAGTGTTTAA-3'